The following is an entry in ClinVar:

NM_006739.4(MCM5):c.553C>T (p.Arg185Cys)

Gene: MCM5 (minichromosome maintenance complex component 5; plus strand). Cytogenetic location: 22q12.3.
Variant type: single nucleotide variant.
Coding change: c.553C>T on transcript NM_006739.4 (MANE Select); coding-DNA position 553, C replaced by T.
Protein change: p.Arg185Cys; replaces arginine 185 with cysteine.
Molecular consequence: missense variant.
Genome position (GRCh38, 1-based): chr22:35,406,682, C>T. VCF-style: chr22-35406682-C-T. GRCh37 (hg19) VCF-style: chr22-35802675-C-T.
Other names: short protein forms R185C.
Identifiers: ClinVar variation 2158252 (VCV002158252.4), dbSNP rs142715814, ClinGen allele CA10205068.
Genomic context (GRCh38, chr22:35,406,682, plus strand): 5'-GCCACCCGCATCTCTATCCAGTGCCGCAGCTGCCGCAACACCCTCACCAACATTGCCATG[C>T]GCCCTGGCCTCGAGGGCTATGCCCTGCCCAGGAAGTGCAACACGTGAGTCTGTGGCCCAG-3'
Protein context (NP_006730.2, residues 175-195): CRNTLTNIAM[Arg185Cys]PGLEGYALPR

ClinVar aggregate classification (germline): Uncertain significance (1 of 4 stars; one submission).

Allele frequency attached by ClinVar (database versions not stated): ESP Exome Variant Server 0.00008; 1000 Genomes Project 0.00020; 1000 Genomes Project 30x 0.00031.
gnomAD v4.1: 232 of 1,611,026 alleles (0.014%); highest among the groups gnomAD compares: Middle Eastern, 0.099%; 1 homozygote.

Submission:

Labcorp Genetics (formerly Invitae), Labcorp
Classification: Uncertain significance. Last evaluated: 2025-11-22. Review status: criteria provided, single submitter. Criteria: Invitae Variant Classification Sherloc (09022015). Collection method: clinical testing. Allele origin: germline.
Comment: This sequence change replaces arginine, which is basic and polar, with cysteine, which is neutral and slightly polar, at codon 185 of the MCM5 protein (p.Arg185Cys). This variant is present in population databases (rs142715814, gnomAD 0.04%). This variant has not been reported in the literature in individuals affected with MCM5-related conditions. ClinVar contains an entry for this variant (Variation ID: 2158252). Invitae Evidence Modeling of protein sequence and biophysical properties (such as structural, functional, and spatial information, amino acid conservation, physicochemical variation, residue mobility, and thermodynamic stability) indicates that this missense variant is not expected to disrupt MCM5 protein function with a negative predictive value of 80%. In summary, the available evidence is currently insufficient to determine the role of this variant in disease. Therefore, it has been classified as a Variant of Uncertain Significance.